The following is an entry in ClinVar:

NM_000073.3(CD3G):c.79+45C>T

Gene: CD3G (CD3 gamma subunit of T-cell receptor complex; plus strand). Cytogenetic location: 11q23.3.
Variant type: single nucleotide variant.
Coding change: c.79+45C>T on transcript NM_000073.3 (MANE Select); 45 bases into the intron after coding-DNA position 79, C replaced by T.
Molecular consequence: intron variant.
Genome position (GRCh38, 1-based): chr11:118,349,095, C>T. VCF-style: chr11-118349095-C-T. GRCh37 (hg19) VCF-style: chr11-118219810-C-T.
Identifiers: ClinVar variation 2642412 (VCV002642412.24), dbSNP rs201802567, ClinGen allele CA6302082.

ClinVar aggregate classification (germline): Likely benign (1 of 4 stars; one submission).

Allele frequency attached by ClinVar (database versions not stated): TOPMed 0.00060; ESP Exome Variant Server 0.00069; gnomAD 0.00085; gnomAD exomes 0.00130; ExAC 0.00150; 1000 Genomes Project 30x 0.00344; 1000 Genomes Project 0.00419.
gnomAD v4.1: 2,036 of 1,613,954 alleles (0.13%); highest among the groups gnomAD compares: South Asian, 0.65%; 9 homozygotes.

Submission:

CeGaT Center for Human Genetics Tuebingen
Classification: Likely benign. Last evaluated: 2022-12-01. Review status: criteria provided, single submitter. Criteria: CeGaT Center For Human Genetics Tuebingen Variant Classification Criteria Version 2. Collection method: clinical testing. Allele origin: germline. Affected: yes. Observed: 1 variant allele.
Comment: CD3G: BS2